The following is an entry in ClinVar:

ClinVar aggregate classification (germline): Benign/Likely benign. Review status: criteria provided, multiple submitters, no conflicts (2 of 4 stars). 4 submissions from 4 submitters: Benign (2); Likely benign (2). Last evaluated 2025-12-15.

Conditions:
Geroderma osteodysplastica (GO). Also called: WALT DISNEY DWARFISM; Geroderma osteodysplasticum. Identifiers: Orphanet 2078, MedGen C0432255, MONDO:0009271, OMIM 231070.

Allele frequency attached by ClinVar (database versions not stated): gnomAD 0.00021 and 0.00034; TOPMed 0.00031; ExAC 0.00060; gnomAD exomes 0.00069; 1000 Genomes Project 0.00359; 1000 Genomes Project 30x 0.00359.
gnomAD v4.1: 319 of 1,610,500 alleles (0.02%); highest among the groups gnomAD compares: East Asian, 0.58%; 2 homozygotes.

Submissions (4):

Labcorp Genetics (formerly Invitae), Labcorp
Classification: Benign. Last evaluated: 2025-12-15. Review status: criteria provided, single submitter. Criteria: Invitae Variant Classification Sherloc (09022015). Collection method: clinical testing. Allele origin: germline.

Blueprint Genetics
Classification: Likely benign. Last evaluated: 2024-10-04. Review status: criteria provided, single submitter. Criteria: ACMG Guidelines, 2015. Collection method: clinical testing. Allele origin: germline.

Genome-Nilou Lab
Classification: Benign for Geroderma osteodysplastica. Last evaluated: 2023-04-11. Review status: criteria provided, single submitter. Criteria: ACMG Guidelines, 2015. Collection method: clinical testing. Allele origin: germline. Affected: no.

Illumina Laboratory Services, Illumina
Classification: Likely benign for Geroderma osteodysplastica. Last evaluated: 2018-01-13. Review status: criteria provided, single submitter. Criteria: ICSL Variant Classification Criteria 13 December 2019. Collection method: clinical testing. Allele origin: germline.
Comment: This variant was observed in the ICSL laboratory as part of a predisposition screen in an ostensibly healthy population. It had not been previously curated by ICSL or reported in the Human Gene Mutation Database (HGMD: prior to June 1st, 2018), and was therefore a candidate for classification through an automated scoring system. Utilizing variant allele frequency, disease prevalence and penetrance estimates, and inheritance mode, an automated score was calculated to assess if this variant is too frequent to cause the disease. Based on the score and internal cut-off values, a variant classified as likely benign is not then subjected to further curation. The score for this variant resulted in a classification of likely benign for this disease.

NM_152281.3(GORAB):c.663-12A>G

Gene: GORAB (golgin, RAB6 interacting; plus strand). Cytogenetic location: 1q24.2.
Variant type: single nucleotide variant.
Coding change: c.663-12A>G on transcript NM_152281.3 (MANE Select); 12 bases into the intron before coding-DNA position 663, A replaced by G.
Molecular consequence: intron variant.
Genome position (GRCh38, 1-based): chr1:170,552,003, A>G. VCF-style: chr1-170552003-A-G. GRCh37 (hg19) VCF-style: chr1-170521144-A-G.
Other names: c.198-12A>G (NM_001320252.2).
Identifiers: ClinVar variation 293660 (VCV000293660.14), dbSNP rs201410218, ClinGen allele CA1239216.